The following is an entry in ClinVar:

ClinVar aggregate classification (germline): Benign/Likely benign. Review status: criteria provided, multiple submitters, no conflicts (2 of 4 stars). 3 submissions from 3 submitters: Benign (1); Likely benign (2). Last evaluated 2025-05-23.

Conditions:
Hereditary cancer-predisposing syndrome. Also called: Tumor predisposition; Hereditary neoplastic syndrome; Neoplastic Syndromes, Hereditary; Hereditary Cancer Syndrome. Identifiers: Orphanet 140162, MedGen C0027672, MeSH D009386, MONDO:0015356.
Oligodontia-cancer predisposition syndrome. Also called: TOOTH AGENESIS-COLORECTAL CANCER SYNDROME. Identifiers: Orphanet 300576, MedGen C1837750, MONDO:0012075, OMIM 608615. Disease mechanism: loss of function.

Allele frequency attached by ClinVar (database versions not stated): gnomAD exomes below 0.00001.
gnomAD v4.1: 2 of 1,613,968 alleles (0.00012%); highest among the groups gnomAD compares: Middle Eastern, 0.016%; no homozygotes.

Submissions (3):

Labcorp Genetics (formerly Invitae), Labcorp
Classification: Likely benign for Oligodontia-cancer predisposition syndrome. Last evaluated: 2025-05-23. Review status: criteria provided, single submitter. Criteria: Invitae Variant Classification Sherloc (09022015). Collection method: clinical testing. Allele origin: germline.

Myriad Genetics, Inc.
Classification: Benign for Oligodontia-cancer predisposition syndrome. Last evaluated: 2024-07-03. Review status: criteria provided, single submitter. Criteria: Myriad Autosomal Dominant, Autosomal Recessive and X-Linked Classification Criteria (2023). Collection method: clinical testing. Allele origin: unknown.
Comment: This variant is considered benign. This variant is a silent/synonymous amino acid change and it is not expected to impact splicing.

Ambry Genetics
Classification: Likely benign for Hereditary cancer-predisposing syndrome. Last evaluated: 2019-06-13. Review status: criteria provided, single submitter. Criteria: Ambry Variant Classification Scheme 2023. Collection method: clinical testing. Allele origin: germline.

NM_004655.4(AXIN2):c.1575C>G (p.Pro525=)

Gene: AXIN2 (axin 2; minus strand). Cytogenetic location: 17q24.1.
Variant type: single nucleotide variant.
Coding change: c.1575C>G on transcript NM_004655.4 (MANE Select); coding-DNA position 1575, C replaced by G.
Protein change: p.Pro525=; no amino-acid change (proline 525 retained).
Molecular consequence: synonymous variant.
Genome position (GRCh38, 1-based): chr17:65,537,461, G>C on the plus strand (C>G on the coding strand, the complement: AXIN2 is on the minus strand). VCF-style: chr17-65537461-G-C. GRCh37 (hg19) VCF-style: chr17-63533579-G-C.
Other names: c.1575C>G, p.Pro525= (NM_001363813.1).
Identifiers: ClinVar variation 1658812 (VCV001658812.11), dbSNP rs1598098758, ClinGen allele CA501691247.
Genomic context (GRCh38, chr17:65,537,461, plus strand): 5'-CCCAGGGCAGAAGCAGTGCACCCGCTGCGTGGCCTCCGCCTCGATCTCCTCCTTGGTCTT[G>C]GGGACGGCATGGTGGTGGATGTAGTGGTGGTGGACATGCTTCGTCGTCTGCTTGGTCACA-3'
Protein context (NP_004646.3, residues 515-535): HHHYIHHHAV[Pro525=]KTKEEIEAEA